The following is an entry in ClinVar:

ClinVar aggregate classification (germline): Likely benign. Review status: criteria provided, single submitter (1 of 4 stars). 2 submissions from 2 submitters: Likely benign (1). 1 of the submissions does not count toward it. Last evaluated 2025-10-09.

Conditions:
HK1-related disorder. Also called: HK1-related disorders; HK1-related condition.

Allele frequency attached by ClinVar (database versions not stated): gnomAD exomes 0.00001 and 0.00002; gnomAD 0.00003 and 0.00004; TOPMed 0.00003.
gnomAD v4.1: 20 of 1,614,066 alleles (0.0012%); highest among the groups gnomAD compares: Non-Finnish European, 0.0017%; no homozygotes.

Submissions (2):

Labcorp Genetics (formerly Invitae), Labcorp
Classification: Likely benign. Last evaluated: 2025-10-09. Review status: criteria provided, single submitter. Criteria: Invitae Variant Classification Sherloc (09022015). Collection method: clinical testing. Allele origin: germline.

PreventionGenetics, part of Exact Sciences
Classification: Likely benign for HK1-related condition. Last evaluated: 2024-02-20. Review status: no assertion criteria provided. Collection method: clinical testing. Allele origin: germline. Not counted in ClinVar's aggregate classification.
Comment: This variant is classified as likely benign based on ACMG/AMP sequence variant interpretation guidelines (Richards et al. 2015 PMID: 25741868, with internal and published modifications).

NM_000188.3(HK1):c.1720-8C>G

Gene: HK1 (hexokinase 1; plus strand). Cytogenetic location: 10q22.1.
Variant type: single nucleotide variant.
Coding change: c.1720-8C>G on transcript NM_000188.3 (MANE Select); 8 bases into the intron before coding-DNA position 1720, C replaced by G.
Molecular consequence: intron variant.
Genome position (GRCh38, 1-based): chr10:69,384,788, C>G. VCF-style: chr10-69384788-C-G. GRCh37 (hg19) VCF-style: chr10-71144544-C-G.
Other names: c.1684-8C>G (NM_033500.2); c.1825-8C>G (NM_001322365.2); c.1732-8C>G (NM_033498.3, NM_033497.3, NM_001322364.2 and 1 more transcripts); c.1717-8C>G (NM_033496.3); c.1636-8C>G (NM_001322366.1); c.1624-8C>G (NM_001322367.1); c.1720-8C>G (NM_000188.2).
Identifiers: ClinVar variation 1155777 (VCV001155777.11), dbSNP rs914217649, ClinGen allele CA209213669.